The following is an entry in ClinVar:

NM_024675.4(PALB2):c.2036del (p.Pro679fs)

Gene: PALB2 (partner and localizer of BRCA2; minus strand). Cytogenetic location: 16p12.2.
Variant type: Deletion.
Coding change: c.2036del on transcript NM_024675.4 (MANE Select); coding-DNA position 2036, one base deleted (C; older notation c.2036delC).
Protein change: p.Pro679fs; shifts the reading frame from proline 679.
Molecular consequence: frameshift variant.
Genome position (GRCh38, 1-based): chr16:23,630,118, G deleted on the plus strand (C on the coding strand, the reverse complement: PALB2 is on the minus strand); the first of 2 consecutive G bases (chr16:23,630,118-23,630,119); deleting either gives the same sequence. VCF-style (leftmost placement, unchanged base first): chr16-23630117-TG-T. GRCh37 (hg19) VCF-style: chr16-23641438-TG-T.
Other names: short protein forms P679fs.
Identifiers: ClinVar variation 1398125 (VCV001398125.7), dbSNP rs2142382796, ClinGen allele CA2573152223.

ClinVar aggregate classification (germline): Pathogenic (1 of 4 stars; one submission).

Conditions:
Familial cancer of breast. Also called: hereditary breast carcinoma; Hereditary breast cancer; BREAST CANCER, FAMILIAL. Identifiers: Orphanet 227535, MedGen C0346153, MONDO:0016419, OMIM 114480. Disease mechanism: loss of function.

Submission:

Labcorp Genetics (formerly Invitae), Labcorp
Classification: Pathogenic for Familial cancer of breast. Last evaluated: 2022-07-12. Review status: criteria provided, single submitter. Criteria: Invitae Variant Classification Sherloc (09022015). Collection method: clinical testing. Allele origin: germline.
Comment: This sequence change creates a premature translational stop signal (p.Pro679Glnfs*30) in the PALB2 gene. It is expected to result in an absent or disrupted protein product. Loss-of-function variants in PALB2 are known to be pathogenic (PMID: 17200668, 17200671, 17200672, 24136930, 25099575). For these reasons, this variant has been classified as Pathogenic. ClinVar contains an entry for this variant (Variation ID: 1398125). This variant has not been reported in the literature in individuals affected with PALB2-related conditions. This variant is not present in population databases (gnomAD no frequency).

Literature cited by the submitters: PubMed 17200668; PubMed 17200671; PubMed 17200672; PubMed 24136930; PubMed 25099575.